The following is an entry in ClinVar:

NM_170707.4(LMNA):c.70_71insGCCGGGTGCGCTGTCGCCCA (p.Thr24fs)

Genes: LMNA (lamin A/C; plus strand), LOC129931597 (ATAC-STARR-seq lymphoblastoid silent region 1421; plus strand). Cytogenetic location: 1q22.
Variant type: Insertion.
Coding change: c.70_71insGCCGGGTGCGCTGTCGCCCA on transcript NM_170707.4 (MANE Select); coding-DNA positions 70 to 71, GCCGGGTGCGCTGTCGCCCA inserted.
Protein change: p.Thr24fs; shifts the reading frame from threonine 24.
Molecular consequence: frameshift variant. On other transcripts: 5 prime UTR variant (8), intron variant (2).
Genome position: GRCh38 VCF-style: chr1-156114976-C-CCGCTGTCGCCCAGCCGGGTG. GRCh37 (hg19) VCF-style: chr1-156084767-C-CCGCTGTCGCCCAGCCGGGTG.
Other names: c.70_71insGCCGGGTGCGCTGTCGCCCA, p.Thr24fs (NM_001282625.2, NM_001282626.2, NM_001406983.1 and 6 more transcripts); c.-354_-353insGCCGGGTGCGCTGTCGCCCA (NM_001406986.1); c.-332_-331insGCCGGGTGCGCTGTCGCCCA (NM_001406990.1, NM_001406995.1, NM_001407002.1); c.-595_-594insGCCGGGTGCGCTGTCGCCCA (NM_001406994.1, NM_001407000.1); c.-775_-774insGCCGGGTGCGCTGTCGCCCA (NM_001406999.1); c.-438_-437insGCCGGGTGCGCTGTCGCCCA (NM_001407001.1); c.-203+8165_-203+8166insGCCGGGTGCGCTGTCGCCCA (NM_001406993.1, NM_001407003.1); short protein forms T24fs.
Identifiers: ClinVar variation 2754208 (VCV002754208.3), dbSNP rs2527829950, ClinGen allele CA2697554572.

ClinVar aggregate classification (germline): Pathogenic (1 of 4 stars; one submission).

Conditions:
Charcot-Marie-Tooth disease type 2. Also called: Charcot-Marie-Tooth type 2. Identifiers: Orphanet 64746, MedGen C0270914, MONDO:0018993.

Submission:

Labcorp Genetics (formerly Invitae), Labcorp
Classification: Pathogenic for Charcot-Marie-Tooth disease type 2. Last evaluated: 2025-10-27. Review status: criteria provided, single submitter. Criteria: Invitae Variant Classification Sherloc (09022015). Collection method: clinical testing. Allele origin: germline.
Comment: This sequence change creates a premature translational stop signal (p.Thr24Serfs*79) in the LMNA gene. It is expected to result in an absent or disrupted protein product. Loss-of-function variants in LMNA are known to be pathogenic (PMID: 18585512, 18926329). This variant is not present in population databases (gnomAD no frequency). This variant has not been reported in the literature in individuals affected with LMNA-related conditions. ClinVar contains an entry for this variant (Variation ID: 2754208). For these reasons, this variant has been classified as Pathogenic.

Literature cited by the submitters: PubMed 18585512; PubMed 18926329.